The following is an entry in ClinVar:

NM_004259.7(RECQL5):c.1586-5del

Gene: RECQL5 (RecQ like helicase 5; minus strand). Cytogenetic location: 17q25.1.
Variant type: Deletion.
Coding change: c.1586-5del on transcript NM_004259.7 (MANE Select); 5 bases into the intron before coding-DNA position 1586, one base deleted (C; older notation c.1586-5delC).
Molecular consequence: intron variant.
Genome position (GRCh38, 1-based): chr17:75,630,842, G deleted on the plus strand (C on the coding strand, the reverse complement: RECQL5 is on the minus strand); the first of 12 consecutive G bases (chr17:75,630,842-75,630,853); deleting any one gives the same sequence. VCF-style (leftmost placement, unchanged base first): chr17-75630841-TG-T. GRCh37 (hg19) VCF-style: chr17-73626921-TG-T.
Identifiers: ClinVar variation 3060535 (VCV003060535.2), dbSNP rs55982817, ClinGen allele CA8767371.

ClinVar aggregate classification (germline): Benign (0 of 4 stars; one submission).

Conditions:
RECQL5-related disorder. Also called: RECQL5-related condition.

Submission:

PreventionGenetics, part of Exact Sciences
Classification: Benign for RECQL5-related condition. Last evaluated: 2019-10-30. Review status: no assertion criteria provided. Collection method: clinical testing. Allele origin: germline.
Comment: This variant is classified as benign based on ACMG/AMP sequence variant interpretation guidelines (Richards et al. 2015 PMID: 25741868, with internal and published modifications).